The following is an entry in ClinVar:

ClinVar aggregate classification (germline): Uncertain significance (1 of 4 stars; one submission).

Allele frequency attached by ClinVar (database versions not stated): TOPMed 0.00001.

Submission:

GeneDx
Classification: Uncertain significance. Last evaluated: 2024-12-20. Review status: criteria provided, single submitter. Criteria: GeneDx Variant Classification Process June 2021. Collection method: clinical testing. Allele origin: germline.
Comment: Not observed at significant frequency in large population cohorts (gnomAD); In silico analysis supports that this missense variant has a deleterious effect on protein structure/function; Has not been previously published as pathogenic or benign to our knowledge

NM_018896.5(CACNA1G):c.1940C>T (p.Ser647Phe)

Gene: CACNA1G (calcium voltage-gated channel subunit alpha1 G; plus strand). Cytogenetic location: 17q21.33.
Variant type: single nucleotide variant.
Coding change: c.1940C>T on transcript NM_018896.5 (MANE Select); coding-DNA position 1940, C replaced by T.
Protein change: p.Ser647Phe; replaces serine 647 with phenylalanine.
Molecular consequence: missense variant. On other transcripts: non-coding transcript variant (5).
Genome position (GRCh38, 1-based): chr17:50,578,203, C>T. VCF-style: chr17-50578203-C-T. GRCh37 (hg19) VCF-style: chr17-48655564-C-T.
Other names: c.1940C>T, p.Ser647Phe (NM_001256324.2, NM_001256325.2, NM_001256326.2 and 24 more transcripts); short protein forms S647F.
Identifiers: ClinVar variation 2577809 (VCV002577809.2), dbSNP rs1182043021, ClinGen allele CA400242456.